The following is an entry in ClinVar:

NM_030790.5(ITFG1):c.1242G>A (p.Val414=)

Gene: ITFG1 (integrin alpha FG-GAP repeat containing 1; minus strand). Cytogenetic location: 16q12.1.
Variant type: single nucleotide variant.
Coding change: c.1242G>A on transcript NM_030790.5 (MANE Select); coding-DNA position 1242, G replaced by A.
Protein change: p.Val414=; no amino-acid change (valine 414 retained).
Molecular consequence: synonymous variant.
Genome position (GRCh38, 1-based): chr16:47,258,720, C>T on the plus strand (G>A on the coding strand, the complement: ITFG1 is on the minus strand). VCF-style: chr16-47258720-C-T. GRCh37 (hg19) VCF-style: chr16-47292631-C-T.
Other names: c.903G>A, p.Val301= (NM_001305002.2).
Identifiers: ClinVar variation 4085970 (VCV004085970.8).
Genomic context (GRCh38, chr16:47,258,720, plus strand): 5'-TTCAAAGTTATTTTTTAGTGTATGAATGGCAAAATCATTCTTTGTATATCCTTTACTTAG[C>T]ACTACAATGTCCAAGATTCCCTGGAAAAAAACAAACAAAAATGGTAAGAACAAACTATTA-3'
Protein context (NP_110417.2, residues 404-424): IYEDGILDIV[Val414=]LSKGYTKNDF

ClinVar aggregate classification (germline): Likely benign (1 of 4 stars; one submission).

Submission:

CeGaT Center for Human Genetics Tuebingen
Classification: Likely benign. Last evaluated: 2025-08-01. Review status: criteria provided, single submitter. Criteria: CeGaT Center For Human Genetics Tuebingen Variant Classification Criteria Version 2. Collection method: clinical testing. Allele origin: germline. Affected: yes. Observed: 1 variant allele.
Comment: ITFG1: PM2:Supporting, BP4, BP7